The following is an entry in ClinVar:

ClinVar aggregate classification (germline): Uncertain significance (1 of 4 stars; one submission).

Conditions:
Tatton-Brown-Rahman overgrowth syndrome. Also called: Tatton-Brown-Rahman syndrome; Tall stature-intellectual disability-facial dysmorphism syndrome. Identifiers: Orphanet 404443, MedGen C4014545, MONDO:0014382, OMIM 615879.

Allele frequency attached by ClinVar (database versions not stated): gnomAD exomes below 0.00001; ExAC 0.00001; TOPMed 0.00002; gnomAD 0.00003.

Submission:

Labcorp Genetics (formerly Invitae), Labcorp
Classification: Uncertain significance for Tatton-Brown-Rahman overgrowth syndrome. Last evaluated: 2024-01-11. Review status: criteria provided, single submitter. Criteria: Invitae Variant Classification Sherloc (09022015). Collection method: clinical testing. Allele origin: germline.
Comment: This sequence change replaces glutamic acid, which is acidic and polar, with lysine, which is basic and polar, at codon 241 of the DNMT3A protein (p.Glu241Lys). This variant is present in population databases (rs761452501, gnomAD 0.007%). This variant has not been reported in the literature in individuals affected with DNMT3A-related conditions. Advanced modeling of protein sequence and biophysical properties (such as structural, functional, and spatial information, amino acid conservation, physicochemical variation, residue mobility, and thermodynamic stability) performed at Invitae indicates that this missense variant is not expected to disrupt DNMT3A protein function with a negative predictive value of 80%. In summary, the available evidence is currently insufficient to determine the role of this variant in disease. Therefore, it has been classified as a Variant of Uncertain Significance.

NM_022552.5(DNMT3A):c.721G>A (p.Glu241Lys)

Gene: DNMT3A (DNA methyltransferase 3 alpha; minus strand). Cytogenetic location: 2p23.3.
Variant type: single nucleotide variant.
Coding change: c.721G>A on transcript NM_022552.5 (MANE Select); coding-DNA position 721, G replaced by A.
Protein change: p.Glu241Lys; replaces glutamic acid 241 with lysine.
Molecular consequence: missense variant. On other transcripts: non-coding transcript variant (1).
Genome position (GRCh38, 1-based): chr2:25,248,171, C>T on the plus strand (G>A on the coding strand, the complement: DNMT3A is on the minus strand). VCF-style: chr2-25248171-C-T. GRCh37 (hg19) VCF-style: chr2-25471040-C-T.
Other names: c.52G>A, p.Glu18Lys (NM_001375819.1); c.154G>A, p.Glu52Lys (NM_153759.3); c.265G>A, p.Glu89Lys (NM_001320893.1); c.721G>A, p.Glu241Lys (NM_175629.2); short protein forms E18K, E89K, E52K, E241K.
Identifiers: ClinVar variation 2852059 (VCV002852059.3), dbSNP rs761452501, ClinGen allele CA1556324.
Genomic context (GRCh38, chr2:25,248,171, plus strand): 5'-TGGTAGCCACAGTGGGGGATGCGGGGTCAGTGGGCTGCTGCACAGCAGGAGGGCTGGCCT[C>T]CTCCACCTTCTGAGACTCCCCGGGCCCCTGGTTTTCTTCCACAGCATTCATTCCTGCAAT-3'
Protein context (NP_072046.2, residues 231-251): QGPGESQKVE[Glu241Lys]ASPPAVQQPT